The following is an entry in ClinVar:

ClinVar aggregate classification (germline): Likely benign. Review status: criteria provided, single submitter (1 of 4 stars). 2 submissions from 2 submitters: Likely benign (1). 1 of the submissions does not count toward it. Last evaluated 2025-04-20.

Conditions:
Rubinstein-Taybi syndrome (RSTS). Identifiers: Orphanet 783, MedGen C0035934, MONDO:0019188.
CREBBP-related disorder. Also called: CREBBP-related disorders; CREBBP-related condition.

Allele frequency attached by ClinVar (database versions not stated): ExAC 0.00001; TOPMed 0.00002.
gnomAD v4.1: 16 of 1,613,996 alleles (0.00099%); highest among the groups gnomAD compares: African/African-American, 0.0013%; no homozygotes.

Submissions (2):

Labcorp Genetics (formerly Invitae), Labcorp
Classification: Likely benign for Rubinstein-Taybi syndrome. Last evaluated: 2025-04-20. Review status: criteria provided, single submitter. Criteria: Invitae Variant Classification Sherloc (09022015). Collection method: clinical testing. Allele origin: germline.

PreventionGenetics, part of Exact Sciences
Classification: Likely benign for CREBBP-related condition. Last evaluated: 2021-08-23. Review status: no assertion criteria provided. Collection method: clinical testing. Allele origin: germline. Not counted in ClinVar's aggregate classification.
Comment: This variant is classified as likely benign based on ACMG/AMP sequence variant interpretation guidelines (Richards et al. 2015 PMID: 25741868, with internal and published modifications).

NM_004380.3(CREBBP):c.3983-4C>T

Gene: CREBBP (CREB binding lysine acetyltransferase; minus strand). Cytogenetic location: 16p13.3.
Variant type: single nucleotide variant.
Coding change: c.3983-4C>T on transcript NM_004380.3 (MANE Select); 4 bases into the intron before coding-DNA position 3983, C replaced by T.
Molecular consequence: intron variant.
Genome position (GRCh38, 1-based): chr16:3,740,553, G>A on the plus strand (C>T on the coding strand, the complement: CREBBP is on the minus strand). VCF-style: chr16-3740553-G-A. GRCh37 (hg19) VCF-style: chr16-3790554-G-A.
Other names: c.3869-4C>T (NM_001079846.1).
Identifiers: ClinVar variation 3044800 (VCV003044800.3), dbSNP rs757096550, ClinGen allele CA7869635.